The following is an entry in ClinVar:

ClinVar aggregate classification (germline): Uncertain significance (1 of 4 stars; one submission).

Allele frequency attached by ClinVar (database versions not stated): gnomAD exomes below 0.00001.
gnomAD v4.1: 2 of 1,613,870 alleles (0.00012%); highest among the groups gnomAD compares: Non-Finnish European, 0.00017%; no homozygotes.

Submission:

Labcorp Genetics (formerly Invitae), Labcorp
Classification: Uncertain significance. Last evaluated: 2022-04-04. Review status: criteria provided, single submitter. Criteria: Invitae Variant Classification Sherloc (09022015). Collection method: clinical testing. Allele origin: germline.
Comment: This sequence change replaces glycine, which is neutral and non-polar, with aspartic acid, which is acidic and polar, at codon 853 of the COL7A1 protein (p.Gly853Asp). This variant is not present in population databases (gnomAD no frequency). This variant has not been reported in the literature in individuals affected with COL7A1-related conditions. Advanced modeling of protein sequence and biophysical properties (such as structural, functional, and spatial information, amino acid conservation, physicochemical variation, residue mobility, and thermodynamic stability) performed at Invitae indicates that this missense variant is expected to disrupt COL7A1 protein function. Algorithms developed to predict the effect of sequence changes on RNA splicing suggest that this variant may create or strengthen a splice site. In summary, the available evidence is currently insufficient to determine the role of this variant in disease. Therefore, it has been classified as a Variant of Uncertain Significance.

NM_000094.4(COL7A1):c.2558G>A (p.Gly853Asp)

Gene: COL7A1 (collagen type VII alpha 1 chain; minus strand). Cytogenetic location: 3p21.31.
Variant type: single nucleotide variant.
Coding change: c.2558G>A on transcript NM_000094.4 (MANE Select); coding-DNA position 2558, G replaced by A.
Protein change: p.Gly853Asp; replaces glycine 853 with aspartic acid.
Molecular consequence: missense variant.
Genome position (GRCh38, 1-based): chr3:48,588,671, C>T on the plus strand (G>A on the coding strand, the complement: COL7A1 is on the minus strand). VCF-style: chr3-48588671-C-T. GRCh37 (hg19) VCF-style: chr3-48626104-C-T.
Other names: short protein forms G853D.
Identifiers: ClinVar variation 1900066 (VCV001900066.2), dbSNP rs2531258302, ClinGen allele CA352718641.